The following is an entry in ClinVar:

NR_003051.4(RMRP):n.179C>T

Gene: RMRP (RNA component of mitochondrial RNA processing endoribonuclease; minus strand). Cytogenetic location: 9p13.3.
Variant type: single nucleotide variant.
Genome position: GRCh38 VCF-style: chr9-35657841-G-A. GRCh37 (hg19) VCF-style: chr9-35657838-G-A.
Identifiers: ClinVar variation 138924 (VCV000138924.18), dbSNP rs7021642, ClinGen allele CA293098.

ClinVar aggregate classification (germline): Benign. Review status: reviewed by expert panel (3 of 4 stars). 9 submissions from 9 submitters: Benign (1). 8 of the submissions do not count toward it. Last evaluated 2025-10-01.

Conditions:
Anauxetic dysplasia. Identifiers: Orphanet 93347, MedGen C1846796, MONDO:0011773.
Metaphyseal chondrodysplasia, McKusick type (CHH). Also called: Cartilage-hair hypoplasia; Cartilage-Hair Hypoplasia (CHH). Identifiers: Orphanet 175, MedGen C0220748, MONDO:0009595, OMIM 250250.

Allele frequency attached by ClinVar (database versions not stated): ExAC 0.09905; 1000 Genomes Project 0.15156; 1000 Genomes Project 30x 0.15725; gnomAD 0.17167 and 0.17814; TOPMed 0.18146.
gnomAD v4.1: 93,720 of 700,336 alleles (13%); highest among the groups gnomAD compares: African/African-American, 31%; 7,730 homozygotes.

Submissions (9):

ClinGen Severe Combined Immunodeficiency Variant Curation Expert Panel, ClinGen
Classification: Benign for Metaphyseal chondrodysplasia, McKusick type. Last evaluated: 2025-10-01. Review status: reviewed by expert panel. Criteria: ClinGen SCID ACMG Specifications RMRP V1.2.0. Collection method: curation. Allele origin: germline. Inheritance: Autosomal recessive inheritance.
Comment: The variant NC_000009.12:g.35657841G>A, also known as n.178C>T and n.179C>T, is present in gnomAD v4.1.0 at a Grpmax filtering allele frequency of 0.3029, which is higher than the ClinGen SCID VCEP specified BA1 threshold of >0.004. Therefore, BA1 is met. In summary, this variant meets the criteria to be classified as Benign for autosomal recessive cartilage-hair hypoplasia based on the ACMG/AMP criteria applied, as specified by the ClinGen SCID VCEP: BA1 (VCEP specifications version 1).

Labcorp Genetics (formerly Invitae), Labcorp
Classification: Benign for Anauxetic dysplasia. Last evaluated: 2026-02-04. Review status: criteria provided, single submitter. Criteria: Invitae Variant Classification Sherloc (09022015). Collection method: clinical testing. Allele origin: germline. Not counted in ClinVar's aggregate classification.

ARUP Laboratories, Molecular Genetics and Genomics, ARUP Laboratories
Classification: Benign. Last evaluated: 2025-07-03. Review status: criteria provided, single submitter. Criteria: ARUP Molecular Germline Variant Investigation Process 2024. Collection method: clinical testing. Allele origin: germline. Not counted in ClinVar's aggregate classification.

Blueprint Genetics
Classification: Likely benign. Last evaluated: 2024-11-27. Review status: criteria provided, single submitter. Criteria: ACMG Guidelines, 2015. Collection method: clinical testing. Allele origin: germline. Not counted in ClinVar's aggregate classification.

GeneDx
Classification: Benign. Last evaluated: 2013-09-11. Review status: criteria provided, single submitter. Criteria: GeneDx Variant Classification (06012015). Collection method: clinical testing. Allele origin: germline. Affected: yes. Not counted in ClinVar's aggregate classification.
Comment: This variant is considered likely benign or benign based on one or more of the following criteria: it is a conservative change, it occurs at a poorly conserved position in the protein, it is predicted to be benign by multiple in silico algorithms, and/or has population frequency not consistent with disease.

Breakthrough Genomics
Classification: Benign. Review status: criteria provided, single submitter. Criteria: ACMG Guidelines, 2015. Collection method: not provided. Allele origin: germline. Inheritance: Autosomal recessive inheritance. Affected: yes. Not counted in ClinVar's aggregate classification.

Natera, Inc.
Classification: Benign for Cartilage-hair hypoplasia. Last evaluated: 2020-09-16. Review status: no assertion criteria provided. Collection method: clinical testing. Allele origin: germline. Not counted in ClinVar's aggregate classification.

Genome Diagnostics Laboratory, University Medical Center Utrecht
Classification: Benign. Review status: no assertion criteria provided. Collection method: clinical testing. Allele origin: germline. Affected: yes. Study: VKGL Data-share Consensus. Not counted in ClinVar's aggregate classification.

Joint Genome Diagnostic Labs from Nijmegen and Maastricht, Radboudumc and MUMC+
Classification: Benign. Review status: no assertion criteria provided. Collection method: clinical testing. Allele origin: germline. Affected: yes. Study: VKGL Data-share Consensus. Not counted in ClinVar's aggregate classification.